The following is an entry in ClinVar:

ClinVar aggregate classification (germline): Likely benign. Review status: criteria provided, multiple submitters, no conflicts (2 of 4 stars). 2 submissions from 2 submitters: Likely benign (2). Last evaluated 2026-08-01.

Conditions:
Xanthinuria type II. Also called: Xanthine dehydrogenase and aldehyde oxidase combined deficiency of; XDH and AOX dual deficiency. Identifiers: Orphanet 3467, Orphanet 93602, MedGen C1863688, MONDO:0011346, OMIM 603592.

Allele frequency attached by ClinVar (database versions not stated): gnomAD exomes 0.00001; ExAC 0.00003; gnomAD 0.00003; TOPMed 0.00008.
gnomAD v4.1: 25 of 1,614,038 alleles (0.0015%); highest among the groups gnomAD compares: East Asian, 0.013%; no homozygotes.

Submissions (2):

CeGaT Center for Human Genetics Tuebingen
Classification: Likely benign. Last evaluated: 2026-08-01. Review status: criteria provided, single submitter. Criteria: CeGaT Center For Human Genetics Tuebingen Variant Classification Criteria Version 2. Collection method: clinical testing. Allele origin: germline. Affected: yes. Observed: 1 variant allele.
Comment: MOCOS: BP4, BP7

Labcorp Genetics (formerly Invitae), Labcorp
Classification: Likely benign for Xanthinuria type II. Last evaluated: 2024-03-18. Review status: criteria provided, single submitter. Criteria: Invitae Variant Classification Sherloc (09022015). Collection method: clinical testing. Allele origin: germline.

NM_017947.4(MOCOS):c.738G>A (p.Ser246=)

Gene: MOCOS (molybdenum cofactor sulfurase; plus strand). Cytogenetic location: 18q12.2.
Variant type: single nucleotide variant.
Coding change: c.738G>A on transcript NM_017947.4 (MANE Select); coding-DNA position 738, G replaced by A.
Protein change: p.Ser246=; no amino-acid change (serine 246 retained).
Molecular consequence: synonymous variant.
Genome position (GRCh38, 1-based): chr18:36,200,121, G>A. VCF-style: chr18-36200121-G-A. GRCh37 (hg19) VCF-style: chr18-33780084-G-A.
Identifiers: ClinVar variation 2177101 (VCV002177101.5), dbSNP rs755811397, ClinGen allele CA8940497.